The following is an entry in ClinVar:

NM_000384.3(APOB):c.12983A>G (p.Tyr4328Cys)

Gene: APOB (apolipoprotein B; minus strand). Cytogenetic location: 2p24.1.
Variant type: single nucleotide variant.
Coding change: c.12983A>G on transcript NM_000384.3 (MANE Select); coding-DNA position 12983, A replaced by G.
Protein change: p.Tyr4328Cys; replaces tyrosine 4328 with cysteine.
Molecular consequence: missense variant.
Genome position (GRCh38, 1-based): chr2:21,002,439, T>C on the plus strand (A>G on the coding strand, the complement: APOB is on the minus strand). VCF-style: chr2-21002439-T-C. GRCh37 (hg19) VCF-style: chr2-21225311-T-C.
Other names: short protein forms Y4328C.
Identifiers: ClinVar variation 334073 (VCV000334073.7), dbSNP rs886055572, ClinGen allele CA10614122.

ClinVar aggregate classification (germline): Uncertain significance (1 of 4 stars; one submission).

Conditions:
Cardiovascular phenotype. Identifiers: MedGen CN230736.

Allele frequency attached by ClinVar (database versions not stated): gnomAD exomes below 0.00001; TOPMed below 0.00001; gnomAD 0.00001.

Submission:

Ambry Genetics
Classification: Uncertain significance for Cardiovascular phenotype. Last evaluated: 2026-09-11. Review status: criteria provided, single submitter. Criteria: Ambry Variant Classification Scheme 2023. Collection method: clinical testing. Allele origin: germline.
Comment: The p.Y4328C variant (also known as c.12983A>G), located in coding exon 29 of the APOB gene, results from an A to G substitution at nucleotide position 12983. The tyrosine at codon 4328 is replaced by cysteine, an amino acid with highly dissimilar properties. This amino acid position is conserved. In addition, this alteration is predicted to be tolerated by in silico analysis. Based on the available evidence, the clinical significance of this variant remains unclear.